The following is an entry in ClinVar:

ClinVar aggregate classification (germline): Uncertain significance. Review status: criteria provided, multiple submitters, no conflicts (2 of 4 stars). 2 submissions from 2 submitters: Uncertain significance (2). Last evaluated 2024-07-01.

Conditions:
Neuropathy, hereditary sensory and autonomic, type 2A (HSAN2A). Also called: WNK1-Related HSAN2 (HSAN2A); HSAN IIA; ACROOSTEOLYSIS, GIACCAI TYPE; ACROOSTEOLYSIS, NEUROGENIC; MORVAN DISEASE; NEUROPATHY, CONGENITAL SENSORY. Identifiers: Orphanet 970, MedGen C2752089, MONDO:0024309, OMIM 201300.
Generalized epilepsy with febrile seizures plus, type 7 (GEFSP7). Also called: GEFS+, TYPE 7. Identifiers: Orphanet 36387, MedGen C2751778, MONDO:0013470, OMIM 613863.

Allele frequency attached by ClinVar (database versions not stated): gnomAD exomes 0.00001.
gnomAD v4.1: 4 of 1,614,100 alleles (0.00025%); highest among the groups gnomAD compares: South Asian, 0.0011%; no homozygotes.

Submissions (2):

CeGaT Center for Human Genetics Tuebingen
Classification: Uncertain significance. Last evaluated: 2024-07-01. Review status: criteria provided, single submitter. Criteria: CeGaT Center For Human Genetics Tuebingen Variant Classification Criteria Version 2. Collection method: clinical testing. Allele origin: germline. Affected: yes. Observed: 1 variant allele.
Comment: SCN9A: PM2

Labcorp Genetics (formerly Invitae), Labcorp
Classification: Uncertain significance for Neuropathy, hereditary sensory and autonomic, type 2A; Generalized epilepsy with febrile seizures plus, type 7. Last evaluated: 2022-12-24. Review status: criteria provided, single submitter. Criteria: Invitae Variant Classification Sherloc (09022015). Collection method: clinical testing. Allele origin: germline.
Comment: In summary, the available evidence is currently insufficient to determine the role of this variant in disease. Therefore, it has been classified as a Variant of Uncertain Significance. Advanced modeling of protein sequence and biophysical properties (such as structural, functional, and spatial information, amino acid conservation, physicochemical variation, residue mobility, and thermodynamic stability) performed at Invitae indicates that this missense variant is not expected to disrupt SCN9A protein function. ClinVar contains an entry for this variant (Variation ID: 1481397). This variant has not been reported in the literature in individuals affected with SCN9A-related conditions. This variant is present in population databases (no rsID available, gnomAD 0.004%). This sequence change replaces asparagine, which is neutral and polar, with serine, which is neutral and polar, at codon 1654 of the SCN9A protein (p.Asn1654Ser).

NM_001365536.1(SCN9A):c.4994A>G (p.Asn1665Ser)

Genes: SCN1A-AS1 (SCN1A and SCN9A antisense RNA 1; plus strand), SCN9A (sodium voltage-gated channel alpha subunit 9; minus strand). Cytogenetic location: 2q24.3.
Variant type: single nucleotide variant.
Coding change: c.4994A>G on transcript NM_001365536.1 (MANE Select); coding-DNA position 4994, A replaced by G.
Protein change: p.Asn1665Ser; replaces asparagine 1665 with serine.
Molecular consequence: missense variant. On other transcripts: non-coding transcript variant (1).
Genome position (GRCh38, 1-based): chr2:166,199,645, T>C on the plus strand (A>G on the coding strand, the complement: SCN9A is on the minus strand). VCF-style: chr2-166199645-T-C. GRCh37 (hg19) VCF-style: chr2-167056155-T-C.
Other names: c.4961A>G, p.Asn1654Ser (NM_002977.4); short protein forms N1665S, N1654S.
Identifiers: ClinVar variation 1481397 (VCV001481397.23), dbSNP rs1401418949, ClinGen allele CA349054961.
Genomic context (GRCh38, chr2:166,199,645, plus strand): 5'-CCAAAGGTCTCAAAATTGAACATGTCATTAATTCCATCTTCCTTTTTAACATAGGCAAAG[T>C]TGGACATTCCAAAGATGGCGTAGATGAACATGACCAGGAAGAGCAGGAGGCCGATGTTAA-3'
Protein context (NP_001352465.1, residues 1655-1675): MFIYAIFGMS[Asn1665Ser]FAYVKKEDGI